The following is an entry in ClinVar:

NM_001148.6(ANK2):c.9830C>T (p.Ser3277Phe)

Gene: ANK2 (ankyrin 2; plus strand). Cytogenetic location: 4q26.
Variant type: single nucleotide variant.
Coding change: c.9830C>T on transcript NM_001148.6 (MANE Select); coding-DNA position 9830, C replaced by T.
Protein change: p.Ser3277Phe; replaces serine 3277 with phenylalanine.
Molecular consequence: missense variant. On other transcripts: intron variant (68).
Genome position (GRCh38, 1-based): chr4:113,358,448, C>T. VCF-style: chr4-113358448-C-T. GRCh37 (hg19) VCF-style: chr4-114279604-C-T.
Other names: c.9596C>T, p.Ser3199Phe (NM_001386142.1); c.6230C>T, p.Ser2077Phe (NM_001386166.1); c.9971C>T, p.Ser3324Phe (NM_001386174.1); c.9947C>T, p.Ser3316Phe (NM_001386175.1); c.4412-2375C>T (NM_001386186.2, NM_001386148.2); c.4214-2375C>T (NM_001354269.3); c.4292-2375C>T (NM_001386187.2); c.4253-2375C>T (NM_001386147.1); and 35 more; short protein forms S3277F, S3324F, S3199F, S2077F, S3316F.
Identifiers: ClinVar variation 1990654 (VCV001990654.4), dbSNP rs533571648, ClinGen allele CA3051989.
Genomic context (GRCh38, chr4:113,358,448, plus strand): 5'-ATTTTTCCACACTCACCAGGTCTGTTTATTCAGATAGGGGTGATGATTCTCCCGATTCTT[C>T]CCCAGAAGAACAGAAATCAGTAATCGAGATTCCTACTGCACCCATGGAGAATGTGCCTTT-3'
Protein context (NP_001139.3, residues 3267-3287): SDRGDDSPDS[Ser3277Phe]PEEQKSVIEI

ClinVar aggregate classification (germline): Uncertain significance (1 of 4 stars; one submission).

Conditions:
Long QT syndrome (LQTS). Identifiers: MedGen C0023976, MeSH D008133, MONDO:0002442. Disease mechanism: loss of function. Inheritance: Various modes of inheritance.

Allele frequency attached by ClinVar (database versions not stated): gnomAD exomes below 0.00001; gnomAD 0.00001; ExAC 0.00002; 1000 Genomes Project 30x 0.00016; 1000 Genomes Project 0.00020.
gnomAD v4.1: 5 of 1,614,066 alleles (0.00031%); highest among the groups gnomAD compares: South Asian, 0.0055%; no homozygotes.

Submission:

Labcorp Genetics (formerly Invitae), Labcorp
Classification: Uncertain significance for Long QT syndrome. Last evaluated: 2022-08-25. Review status: criteria provided, single submitter. Criteria: Invitae Variant Classification Sherloc (09022015). Collection method: clinical testing. Allele origin: germline.
Comment: This sequence change replaces serine, which is neutral and polar, with phenylalanine, which is neutral and non-polar, at codon 3277 of the ANK2 protein (p.Ser3277Phe). This variant is present in population databases (rs533571648, gnomAD 0.01%). In summary, the available evidence is currently insufficient to determine the role of this variant in disease. Therefore, it has been classified as a Variant of Uncertain Significance. Algorithms developed to predict the effect of missense changes on protein structure and function are either unavailable or do not agree on the potential impact of this missense change (SIFT: "Deleterious"; PolyPhen-2: "Probably Damaging"; Align-GVGD: "Class C0"). This variant has not been reported in the literature in individuals affected with ANK2-related conditions.